The following is an entry in ClinVar:

NM_000553.6(WRN):c.2630+3A>G

Gene: WRN (WRN RecQ like helicase; plus strand). Cytogenetic location: 8p12.
Variant type: single nucleotide variant.
Coding change: c.2630+3A>G on transcript NM_000553.6 (MANE Select); 3 bases into the intron after coding-DNA position 2630, A replaced by G.
Molecular consequence: intron variant.
Genome position (GRCh38, 1-based): chr8:31,120,427, A>G. VCF-style: chr8-31120427-A-G. GRCh37 (hg19) VCF-style: chr8-30977943-A-G.
Identifiers: ClinVar variation 940661 (VCV000940661.5), dbSNP rs1224754548, ClinGen allele CA850725199.

ClinVar aggregate classification (germline): Uncertain significance (1 of 4 stars; one submission).

Conditions:
Werner syndrome (WRN). Identifiers: Orphanet 902, MedGen C0043119, MONDO:0010196, OMIM 277700.

Allele frequency attached by ClinVar (database versions not stated): TOPMed 0.00001.
gnomAD v4.1: 4 of 1,609,320 alleles (0.00025%); highest among the groups gnomAD compares: Non-Finnish European, 0.00034%; no homozygotes.

Submission:

Labcorp Genetics (formerly Invitae), Labcorp
Classification: Uncertain significance for Werner syndrome. Last evaluated: 2024-06-05. Review status: criteria provided, single submitter. Criteria: Invitae Variant Classification Sherloc (09022015). Collection method: clinical testing. Allele origin: germline.
Comment: This sequence change falls in intron 21 of the WRN gene. It does not directly change the encoded amino acid sequence of the WRN protein. It affects a nucleotide within the consensus splice site. This variant is not present in population databases (gnomAD no frequency). This variant has not been reported in the literature in individuals affected with WRN-related conditions. ClinVar contains an entry for this variant (Variation ID: 940661). Variants that disrupt the consensus splice site are a relatively common cause of aberrant splicing (PMID: 17576681, 9536098). Algorithms developed to predict the effect of sequence changes on RNA splicing suggest that this variant may disrupt the consensus splice site. In summary, the available evidence is currently insufficient to determine the role of this variant in disease. Therefore, it has been classified as a Variant of Uncertain Significance.

Literature cited by the submitters: PubMed 17576681; PubMed 9536098.